The following is an entry in ClinVar:

NM_019844.4(SLCO1B3):c.550G>A (p.Gly184Arg)

Genes: SLCO1B3 (solute carrier organic anion transporter family member 1B3; plus strand), SLCO1B3-SLCO1B7 (SLCO1B3-SLCO1B7 readthrough; plus strand). Cytogenetic location: 12p12.2.
Variant type: single nucleotide variant.
Coding change: c.550G>A on transcript NM_019844.4 (MANE Select); coding-DNA position 550, G replaced by A.
Protein change: p.Gly184Arg; replaces glycine 184 with arginine.
Molecular consequence: missense variant.
Genome position (GRCh38, 1-based): chr12:20,862,480, G>A. VCF-style: chr12-20862480-G-A. GRCh37 (hg19) VCF-style: chr12-21015414-G-A.
Other names: c.550G>A, p.Gly184Arg (NM_001371097.1); c.466G>A, p.Gly156Arg (NM_001349920.2); c.550G>A (NM_019844.3); short protein forms G156R, G184R.
Identifiers: ClinVar variation 4586475 (VCV004586475.2).
Genomic context (GRCh38, chr12:20,862,480, plus strand): 5'-AAGGAATCTGGGTCACACATGTGGATCTATGTCTTCATGGGGAATATGCTTCGTGGCATA[G>A]GGGAAACCCCCATAGTACCATTGGGGATTTCATACATTGATGATTTTGCAAAAGAAGGAC-3'
Protein context (NP_062818.1, residues 174-194): VFMGNMLRGI[Gly184Arg]ETPIVPLGIS

ClinVar aggregate classification (germline): Uncertain significance. Review status: criteria provided, multiple submitters, no conflicts (2 of 4 stars). 2 submissions from 2 submitters: Uncertain significance (2). Last evaluated 2026-06-05.

Conditions:
SLCO1B3-related disorder. Also called: SLCO1B3-related condition.

gnomAD v4.1: 24 of 1,612,870 alleles (0.0015%); highest among the groups gnomAD compares: Middle Eastern, 0.016%; no homozygotes.

Submissions (2):

PreventionGenetics, part of Exact Sciences
Classification: Uncertain significance for SLCO1B3-related condition. Last evaluated: 2026-06-05. Review status: criteria provided, single submitter. Criteria: ACMG Guidelines, 2015. Collection method: clinical testing. Allele origin: germline.
Comment: The SLCO1B3 c.550G>A variant is predicted to result in the amino acid substitution p.Gly184Arg. To our knowledge, this variant has not been reported in the literature. This variant is reported in 0.0023% of alleles in individuals of European (Non-Finnish) descent in gnomAD. At this time, the clinical significance of this variant is uncertain due to the absence of conclusive functional and genetic evidence.

Ambry Genetics
Classification: Uncertain significance. Last evaluated: 2025-12-02. Review status: criteria provided, single submitter. Criteria: Ambry Variant Classification Scheme 2023. Collection method: clinical testing. Allele origin: germline.